The following is an entry in ClinVar:

NM_000548.5(TSC2):c.2001A>G (p.Thr667=)

Gene: TSC2 (TSC complex subunit 2; plus strand). Cytogenetic location: 16p13.3.
Variant type: single nucleotide variant.
Coding change: c.2001A>G on transcript NM_000548.5 (MANE Select); coding-DNA position 2001, A replaced by G.
Protein change: p.Thr667=; no amino-acid change (threonine 667 retained).
Molecular consequence: synonymous variant.
Genome position (GRCh38, 1-based): chr16:2,071,838, A>G. VCF-style: chr16-2071838-A-G. GRCh37 (hg19) VCF-style: chr16-2121839-A-G.
Other names: c.2001A>G, p.Thr667= (NM_001077183.3, NM_001114382.3, NM_001363528.2 and 3 more transcripts); c.1890A>G, p.Thr630= (NM_001318827.2); c.1854A>G, p.Thr618= (NM_001318829.2); c.1401A>G, p.Thr467= (NM_001318831.2); c.2034A>G, p.Thr678= (NM_001318832.2).
Identifiers: ClinVar variation 467915 (VCV000467915.23), dbSNP rs1412129753, ClinGen allele CA493042572.

ClinVar aggregate classification (germline): Benign/Likely benign. Review status: criteria provided, multiple submitters, no conflicts (2 of 4 stars). 8 submissions from 8 submitters: Benign (2); Likely benign (6). Last evaluated 2026-01-18.

Conditions:
Hereditary cancer-predisposing syndrome. Also called: Hereditary neoplastic syndrome; Neoplastic Syndromes, Hereditary; Hereditary Cancer Syndrome; Tumor predisposition. Identifiers: Orphanet 140162, MedGen C0027672, MeSH D009386, MONDO:0015356.
Tuberous sclerosis syndrome (TSC). Also called: Tuberous Sclerosis Complex; Tuberous sclerosis. Identifiers: Orphanet 805, MedGen C0041341, MONDO:0001734.
Tuberous sclerosis 2 (TSC2). Identifiers: Orphanet 805, MedGen C1860707, MONDO:0013199, OMIM 613254.

Submissions (8):

Labcorp Genetics (formerly Invitae), Labcorp
Classification: Likely benign for Tuberous sclerosis 2. Last evaluated: 2026-01-18. Review status: criteria provided, single submitter. Criteria: Invitae Variant Classification Sherloc (09022015). Collection method: clinical testing. Allele origin: germline.

Myriad Genetics, Inc.
Classification: Benign for Tuberous sclerosis 2. Last evaluated: 2025-05-16. Review status: criteria provided, single submitter. Criteria: Myriad Autosomal Dominant, Autosomal Recessive and X-Linked Classification Criteria (2023). Collection method: clinical testing. Allele origin: unknown.
Comment: This variant is considered benign. This variant is a silent/synonymous amino acid change and it is not expected to impact splicing.

All of Us Research Program, National Institutes of Health
Classification: Likely benign for Tuberous sclerosis syndrome. Last evaluated: 2023-10-06. Review status: criteria provided, single submitter. Criteria: ACMG Guidelines, 2015. Collection method: clinical testing. Allele origin: germline. Inheritance: Autosomal dominant inheritance. Observed: 5 variant alleles, 5 heterozygotes.
Comment: This study involves interpretation of variants in research participants for the purpose of population health screening. Participant phenotype was not available at the time of variant classification. Additional details can be found in publication PMID: 35346344, PMCID: PMC8962531

Color Diagnostics, LLC DBA Color Health
Classification: Likely benign for Tuberous sclerosis syndrome. Last evaluated: 2022-09-23. Review status: criteria provided, single submitter. Criteria: ACMG Guidelines, 2015. Collection method: clinical testing. Allele origin: germline.

Blueprint Genetics
Classification: Likely benign. Last evaluated: 2022-06-06. Review status: criteria provided, single submitter. Criteria: ACMG Guidelines, 2015. Collection method: clinical testing. Allele origin: germline.

Genome-Nilou Lab
Classification: Benign for Tuberous sclerosis 2. Last evaluated: 2021-11-07. Review status: criteria provided, single submitter. Criteria: ACMG Guidelines, 2015. Collection method: clinical testing. Allele origin: germline. Affected: no.

GeneDx
Classification: Likely benign. Last evaluated: 2019-10-21. Review status: criteria provided, single submitter. Criteria: GeneDx Variant Classification Process June 2021. Collection method: clinical testing. Allele origin: germline. Affected: yes.

Ambry Genetics
Classification: Likely benign for Hereditary cancer-predisposing syndrome. Last evaluated: 2018-05-16. Review status: criteria provided, single submitter. Criteria: Ambry Variant Classification Scheme 2023. Collection method: clinical testing. Allele origin: germline.